The following is an entry in ClinVar:

NM_001868.4(CPA1):c.1210T>G (p.Trp404Gly)

Gene: CPA1 (carboxypeptidase A1; plus strand). Cytogenetic location: 7q32.2.
Variant type: single nucleotide variant.
Coding change: c.1210T>G on transcript NM_001868.4 (MANE Select); coding-DNA position 1210, T replaced by G.
Protein change: p.Trp404Gly; replaces tryptophan 404 with glycine.
Molecular consequence: missense variant.
Genome position (GRCh38, 1-based): chr7:130,387,961, T>G. VCF-style: chr7-130387961-T-G. GRCh37 (hg19) VCF-style: chr7-130027802-T-G.
Other names: short protein forms W404G.
Identifiers: ClinVar variation 4825909 (VCV004825909.1).

ClinVar aggregate classification (germline): Uncertain significance (1 of 4 stars; one submission).

Conditions:
Hereditary pancreatitis (PCTT). Also called: Hereditary chronic pancreatitis; PRSS1-Related Hereditary Pancreatitis. Identifiers: Orphanet 676, MedGen C0238339, MONDO:0008185, OMIM 167800.

Submission:

Ambry Genetics
Classification: Uncertain significance for Hereditary pancreatitis. Last evaluated: 2026-03-14. Review status: criteria provided, single submitter. Criteria: Ambry Variant Classification Scheme 2023. Collection method: clinical testing. Allele origin: germline.
Comment: The p.W404G variant (also known as c.1210T>G), located in coding exon 10 of the CPA1 gene, results from a T to G substitution at nucleotide position 1210. The tryptophan at codon 404 is replaced by glycine, an amino acid with highly dissimilar properties. This amino acid position is conserved. In addition, this alteration is predicted to be deleterious by in silico analysis. Based on the available evidence, the clinical significance of this variant remains unclear.